The following is an entry in ClinVar:

NM_001042424.3(NSD2):c.3089C>T (p.Ser1030Leu)

Gene: NSD2 (nuclear receptor binding SET domain protein 2; plus strand). Cytogenetic location: 4p16.3.
Variant type: single nucleotide variant.
Coding change: c.3089C>T on transcript NM_001042424.3 (MANE Select); coding-DNA position 3089, C replaced by T.
Protein change: p.Ser1030Leu; replaces serine 1030 with leucine.
Molecular consequence: missense variant. On other transcripts: intron variant (1).
Genome position (GRCh38, 1-based): chr4:1,959,574, C>T. VCF-style: chr4-1959574-C-T. GRCh37 (hg19) VCF-style: chr4-1961301-C-T.
Other names: c.3089C>T, p.Ser1030Leu (NM_001440892.1, NM_001440894.1, NM_133330.3 and 2 more transcripts); c.3188C>T, p.Ser1063Leu (NM_001440893.1); c.2888C>T, p.Ser963Leu (NM_001440896.1); c.2882C>T, p.Ser961Leu (NM_001440897.1, NM_001440898.1); c.2120C>T, p.Ser707Leu (NM_001440899.1, NM_001440900.1); c.2986-44C>T (NM_001440895.1); short protein forms S1030L, S1063L, S707L, S961L, S963L.
Identifiers: ClinVar variation 4850103 (VCV004850103.1).

ClinVar aggregate classification (germline): Likely pathogenic (1 of 4 stars; one submission).

Conditions:
Rauch-Steindl syndrome (RAUST). Identifiers: Orphanet 659642, MedGen C5562061, MONDO:0859219, OMIM 619695.

Submission:

Institute for Clinical Genetics, University Hospital TU Dresden, University Hospital TU Dresden
Classification: Likely pathogenic for Rauch-Steindl syndrome. Last evaluated: 2026-03-09. Review status: criteria provided, single submitter. Criteria: ACMG Guidelines, 2015. Collection method: clinical testing. Allele origin: maternal. Affected: yes.
Comment: This missense variant in the NSD2 gene (NM_001042424.3:c.3089C>T, p.(Ser1030Leu)) results in an amino acid substitution in the corresponding protein. The variant is located in the functionally critical AWS domain (PMID: 35581654), which empirically exhibits significant intolerance to genetic variation (MetaDome dN/dS score <0.53, PMID: 31116477). Bioinformatics prediction algorithms estimate the impact of the variant on protein function to be low probability (REVEL score 0.76, PMID: 27666373); however, an actual effect has not yet been functionally investigated. This variant has not yet been classified in the ClinVar database and is not listed in the gnomAD v4.1.0 population database. According to current ACMG recommendations for variant assessment (PMID 25741868), the criteria PS2, PM1_SUP, PM2_SUP, PP1, and PP3 are met, resulting in a classification as a likely pathogenic variant (ACMG Class 4).